The following is an entry in ClinVar:

ClinVar aggregate classification (germline): Uncertain significance (1 of 4 stars; one submission).

Conditions:
Autosomal recessive ataxia, Beauce type. Also called: ATAXIA, RECESSIVE, OF BEAUCE; Spinocerebellar ataxia, autosomal recessive 8; SYNE1-Related Autosomal Recessive Cerebellar Ataxia; SYNE1 Deficiency. Identifiers: Orphanet 88644, MedGen C1853116, MONDO:0012549, OMIM 610743.
Emery-Dreifuss muscular dystrophy 4, autosomal dominant (EDMD4). Also called: EMERY-DREIFUSS MUSCULAR DYSTROPHY 4 WITH VARIABLE FEATURES. Identifiers: Orphanet 261, MedGen C2751807, MONDO:0013071, OMIM 612998.

gnomAD v4.1: 5 of 1,614,070 alleles (0.00031%); highest among the groups gnomAD compares: Non-Finnish European, 0.00034%; no homozygotes.

Submission:

Labcorp Genetics (formerly Invitae), Labcorp
Classification: Uncertain significance for Emery-Dreifuss muscular dystrophy 4, autosomal dominant; Autosomal recessive ataxia, Beauce type. Last evaluated: 2024-10-22. Review status: criteria provided, single submitter. Criteria: Invitae Variant Classification Sherloc (09022015). Collection method: clinical testing. Allele origin: germline.
Comment: This sequence change replaces methionine, which is neutral and non-polar, with lysine, which is basic and polar, at codon 2851 of the SYNE1 protein (p.Met2851Lys). This variant is not present in population databases (gnomAD no frequency). This variant has not been reported in the literature in individuals affected with SYNE1-related conditions. ClinVar contains an entry for this variant (Variation ID: 1005197). An algorithm developed to predict the effect of missense changes on protein structure and function (PolyPhen-2) suggests that this variant is likely to be tolerated. In summary, the available evidence is currently insufficient to determine the role of this variant in disease. Therefore, it has been classified as a Variant of Uncertain Significance.

NM_182961.4(SYNE1):c.8531T>A (p.Met2844Lys)

Genes: SYNE1 (spectrin repeat containing nuclear envelope protein 1; minus strand), LOC126859838 (CDK7 strongly-dependent group 2 enhancer GRCh37_chr6:152706655-152707854; plus strand). Cytogenetic location: 6q25.2.
Variant type: single nucleotide variant.
Coding change: c.8531T>A on transcript NM_182961.4 (MANE Select); coding-DNA position 8531, T replaced by A.
Protein change: p.Met2844Lys; replaces methionine 2844 with lysine.
Molecular consequence: missense variant.
Genome position (GRCh38, 1-based): chr6:152,385,795, A>T on the plus strand (T>A on the coding strand, the complement: SYNE1 is on the minus strand). VCF-style: chr6-152385795-A-T. GRCh37 (hg19) VCF-style: chr6-152706930-A-T.
Other names: c.8552T>A, p.Met2851Lys (NM_033071.5); short protein forms M2844K, M2851K.
Identifiers: ClinVar variation 1005197 (VCV001005197.9), dbSNP rs577620830, ClinGen allele CA366145547.